The following is an entry in ClinVar:

ClinVar aggregate classification (germline): Uncertain significance (1 of 4 stars; one submission).

Submission:

Labcorp Genetics (formerly Invitae), Labcorp
Classification: Uncertain significance. Last evaluated: 2023-09-20. Review status: criteria provided, single submitter. Criteria: Invitae Variant Classification Sherloc (09022015). Collection method: clinical testing. Allele origin: germline.
Comment: This sequence change replaces glycine, which is neutral and non-polar, with arginine, which is basic and polar, at codon 227 of the CNGA1 protein (p.Gly227Arg). This variant is not present in population databases (gnomAD no frequency). This variant has not been reported in the literature in individuals affected with CNGA1-related conditions. An algorithm developed to predict the effect of missense changes on protein structure and function (PolyPhen-2) suggests that this variant is likely to be disruptive. In summary, the available evidence is currently insufficient to determine the role of this variant in disease. Therefore, it has been classified as a Variant of Uncertain Significance.

NM_001379270.1(CNGA1):c.667G>A (p.Gly223Arg)

Genes: CNGA1 (cyclic nucleotide gated channel subunit alpha 1; minus strand), LOC101927157 (uncharacterized LOC101927157; plus strand). Cytogenetic location: 4p12.
Variant type: single nucleotide variant.
Coding change: c.667G>A on transcript NM_001379270.1 (MANE Select); coding-DNA position 667, G replaced by A.
Protein change: p.Gly223Arg; replaces glycine 223 with arginine.
Molecular consequence: missense variant.
Genome position (GRCh38, 1-based): chr4:47,937,815, C>T on the plus strand (G>A on the coding strand, the complement: CNGA1 is on the minus strand). VCF-style: chr4-47937815-C-T. GRCh37 (hg19) VCF-style: chr4-47939832-C-T.
Other names: c.667G>A, p.Gly223Arg (NM_000087.5, NM_001142564.2); short protein forms G223R.
Identifiers: ClinVar variation 2783227 (VCV002783227.1), dbSNP rs2475754008, ClinGen allele CA356828836.